The following is an entry in ClinVar:

ClinVar aggregate classification (germline): Likely benign. Review status: reviewed by expert panel (3 of 4 stars). 3 submissions from 3 submitters: Likely benign (1). 2 of the submissions do not count toward it. Last evaluated 2025-01-15.

Conditions:
Hereditary thrombocytopenia and hematological cancer predisposition syndrome associated with RUNX1. Also called: Familial Platelet Disorder with Propensity to Acute Myelogenous Leukemia; Familial thrombocytopenia with propensity to acute myelogenous leukemia; RUNX1 Familial Platelet Disorder with Associated Myeloid Malignancies; PLATELET DISORDER, ASPIRIN-LIKE. Identifiers: Orphanet 71290, MedGen C1832388, MeSH C563324, MONDO:0100083, OMIM 601399.
Hereditary thrombocytopenia and hematologic cancer predisposition syndrome. Identifiers: Orphanet 71290, MedGen CN281654, MONDO:0011071.
Inborn genetic diseases. Identifiers: MedGen C0950123, MeSH D030342.

gnomAD v4.1: 15 of 1,613,882 alleles (0.00093%); highest among the groups gnomAD compares: South Asian, 0.013%; 1 homozygote.

Submissions (3):

ClinGen Myeloid Malignancy Variant Curation Expert Panel
Classification: Likely benign for Hereditary thrombocytopenia and hematologic cancer predisposition syndrome. Last evaluated: 2025-01-15. Review status: reviewed by expert panel. Criteria: ClinGen MyeloMalig ACMG Specifications v2. Collection method: curation. Allele origin: germline. Inheritance: Autosomal dominant inheritance.
Comment: NM_001754.5(RUNX1):c.508+4C>T is an intronic variant which has a SpliceAI score ≤ 0.20 (0.02) (BP4). This variant has a SpliceAI score ≤ 0.20 (0.0) and evolutionary conservation prediction algorithms predict the site as not being conserved (PhyloP score ≤ 2.0 (-2.98) (BP7). In summary, this variant meets criteria to be classified as likely benign. ACMG/AMP criteria applied, as specified by the Myeloid Malignancy Variant Curation Expert Panel for RUNX1: BP4, BP7.

Ambry Genetics
Classification: Likely benign for Inborn genetic diseases. Last evaluated: 2026-08-17. Review status: criteria provided, single submitter. Criteria: Ambry Variant Classification Scheme 2023. Collection method: clinical testing. Allele origin: germline. Not counted in ClinVar's aggregate classification.

Labcorp Genetics (formerly Invitae), Labcorp
Classification: Likely benign for Hereditary thrombocytopenia and hematological cancer predisposition syndrome associated with RUNX1. Last evaluated: 2025-04-20. Review status: criteria provided, single submitter. Criteria: Invitae Variant Classification Sherloc (09022015). Collection method: clinical testing. Allele origin: germline. Not counted in ClinVar's aggregate classification.

NM_001754.5(RUNX1):c.508+4C>T

Genes: RUNX1 (RUNX family transcription factor 1; minus strand), RUNX1-AS1 (RUNX1 antisense RNA 1; plus strand). Cytogenetic location: 21q22.12.
Variant type: single nucleotide variant.
Coding change: c.508+4C>T on transcript NM_001754.5 (MANE Select); 4 bases into the intron after coding-DNA position 508, C replaced by T.
Molecular consequence: intron variant.
Genome position (GRCh38, 1-based): chr21:34,880,553, G>A on the plus strand (C>T on the coding strand, the complement: RUNX1 is on the minus strand). VCF-style: chr21-34880553-G-A. GRCh37 (hg19) VCF-style: chr21-36252850-G-A.
Other names: c.508+4C>T (NM_001754.4); c.427+4C>T (NM_001001890.3, NM_001122607.2).
Identifiers: ClinVar variation 1465512 (VCV001465512.9), dbSNP rs770788424, ClinGen allele CA10014501.